The following is an entry in ClinVar:

ClinVar aggregate classification (germline): Likely benign. Review status: criteria provided, single submitter (1 of 4 stars). 2 submissions from 2 submitters: Likely benign (1). 1 of the submissions does not count toward it. Last evaluated 2024-10-07.

Conditions:
COL9A1-related disorder. Also called: COL9A1-related disorders; COL9A1-related condition.

gnomAD v4.1: 5 of 1,613,976 alleles (0.00031%); highest among the groups gnomAD compares: Non-Finnish European, 0.00042%; no homozygotes.

Submissions (2):

Blueprint Genetics
Classification: Likely benign. Last evaluated: 2024-10-07. Review status: criteria provided, single submitter. Criteria: ACMG Guidelines, 2015. Collection method: clinical testing. Allele origin: germline.

PreventionGenetics, part of Exact Sciences
Classification: Likely benign for COL9A1-related condition. Last evaluated: 2021-05-03. Review status: no assertion criteria provided. Collection method: clinical testing. Allele origin: germline. Not counted in ClinVar's aggregate classification.
Comment: This variant is classified as likely benign based on ACMG/AMP sequence variant interpretation guidelines (Richards et al. 2015 PMID: 25741868, with internal and published modifications).

NM_001851.6(COL9A1):c.1665+6C>T

Gene: COL9A1 (collagen type IX alpha 1 chain; minus strand). Cytogenetic location: 6q13.
Variant type: single nucleotide variant.
Coding change: c.1665+6C>T on transcript NM_001851.6 (MANE Select); 6 bases into the intron after coding-DNA position 1665, C replaced by T.
Molecular consequence: intron variant.
Genome position (GRCh38, 1-based): chr6:70,254,957, G>A on the plus strand (C>T on the coding strand, the complement: COL9A1 is on the minus strand). VCF-style: chr6-70254957-G-A. GRCh37 (hg19) VCF-style: chr6-70964660-G-A.
Other names: c.936+6C>T (NM_001377290.1, NM_078485.4, NM_001377289.1).
Identifiers: ClinVar variation 3357148 (VCV003357148.2).